The following is an entry in ClinVar:

NM_024795.4(TM4SF20):c.411T>A (p.His137Gln)

Gene: TM4SF20 (transmembrane 4 L six family member 20; minus strand). Cytogenetic location: 2q36.3.
Variant type: single nucleotide variant.
Coding change: c.411T>A on transcript NM_024795.4 (MANE Select); coding-DNA position 411, T replaced by A.
Protein change: p.His137Gln; replaces histidine 137 with glutamine.
Molecular consequence: missense variant.
Genome position (GRCh38, 1-based): chr2:227,364,003, A>T on the plus strand (T>A on the coding strand, the complement: TM4SF20 is on the minus strand). VCF-style: chr2-227364003-A-T. GRCh37 (hg19) VCF-style: chr2-228228719-A-T.
Other names: short protein forms H137Q.
Identifiers: ClinVar variation 4691691 (VCV004691691.1).

ClinVar aggregate classification (germline): Uncertain significance (1 of 4 stars; one submission).

gnomAD v4.1: 57 of 1,605,232 alleles (0.0036%); highest among the groups gnomAD compares: East Asian, 0.11%; no homozygotes.

Submission:

Labcorp Genetics (formerly Invitae), Labcorp
Classification: Uncertain significance. Last evaluated: 2026-01-25. Review status: criteria provided, single submitter. Criteria: Invitae Variant Classification Sherloc (09022015). Collection method: clinical testing. Allele origin: germline.
Comment: This sequence change replaces histidine, which is basic and polar, with glutamine, which is neutral and polar, at codon 137 of the TM4SF20 protein (p.His137Gln). This variant is present in population databases (rs182100079, gnomAD 0.2%), and has an allele count higher than expected for a pathogenic variant. This variant has not been reported in the literature in individuals affected with TM4SF20-related conditions. An algorithm developed to predict the effect of missense changes on protein structure and function outputs the following: PolyPhen-2: "Benign". The glutamine amino acid residue is found in multiple mammalian species, which suggests that this missense change does not adversely affect protein function. In summary, the available evidence is currently insufficient to determine the role of this variant in disease. Therefore, it has been classified as a Variant of Uncertain Significance.